The following is an entry in ClinVar:

ClinVar aggregate classification (germline): Uncertain significance. Review status: criteria provided, multiple submitters, no conflicts (2 of 4 stars). 2 submissions from 2 submitters: Uncertain significance (2). Last evaluated 2025-12-29.

Allele frequency attached by ClinVar (database versions not stated): gnomAD exomes below 0.00001.
gnomAD v4.1: 2 of 1,612,320 alleles (0.00012%); highest among the groups gnomAD compares: Non-Finnish European, 0.00017%; no homozygotes.

Submissions (2):

Center for Genomic Medicine, Rigshospitalet, Copenhagen University Hospital
Classification: Uncertain significance. Last evaluated: 2025-12-29. Review status: criteria provided, single submitter. Criteria: ACMG Guidelines, 2015. Collection method: clinical testing. Allele origin: germline.

Labcorp Genetics (formerly Invitae), Labcorp
Classification: Uncertain significance. Last evaluated: 2018-08-31. Review status: criteria provided, single submitter. Criteria: Invitae Variant Classification Sherloc (09022015). Collection method: clinical testing. Allele origin: germline.
Comment: This sequence change replaces glutamic acid with lysine at codon 1539 of the POLE protein (p.Glu1539Lys). The glutamic acid residue is weakly conserved and there is a small physicochemical difference between glutamic acid and lysine. This variant is not present in population databases (ExAC no frequency). This variant has not been reported in the literature in individuals with POLE-related disease. Algorithms developed to predict the effect of missense changes on protein structure and function (SIFT, PolyPhen-2, Align-GVGD) all suggest that this variant is likely to be tolerated, but these predictions have not been confirmed by published functional studies and their clinical significance is uncertain. In summary, the available evidence is currently insufficient to determine the role of this variant in disease. Therefore, it has been classified as a Variant of Uncertain Significance.

NM_006231.4(POLE):c.4615G>A (p.Glu1539Lys)

Gene: POLE (DNA polymerase epsilon, catalytic subunit; minus strand). Cytogenetic location: 12q24.33.
Variant type: single nucleotide variant.
Coding change: c.4615G>A on transcript NM_006231.4 (MANE Select); coding-DNA position 4615, G replaced by A.
Protein change: p.Glu1539Lys; replaces glutamic acid 1539 with lysine.
Molecular consequence: missense variant.
Genome position (GRCh38, 1-based): chr12:132,642,933, C>T on the plus strand (G>A on the coding strand, the complement: POLE is on the minus strand). VCF-style: chr12-132642933-C-T. GRCh37 (hg19) VCF-style: chr12-133219519-C-T.
Other names: short protein forms E1539K.
Identifiers: ClinVar variation 647272 (VCV000647272.9), dbSNP rs1593732512, ClinGen allele CA387379162.